The following is an entry in ClinVar:

ClinVar aggregate classification (germline): Uncertain significance (1 of 4 stars; one submission).

Submission:

GeneDx
Classification: Uncertain significance. Last evaluated: 2024-01-05. Review status: criteria provided, single submitter. Criteria: GeneDx Variant Classification Process June 2021. Collection method: clinical testing. Allele origin: germline. Affected: yes.
Comment: Not observed at significant frequency in large population cohorts (gnomAD); In silico analysis supports that this missense variant has a deleterious effect on protein structure/function; Has not been previously published as pathogenic or benign to our knowledge

NM_004817.4(TJP2):c.1886A>T (p.Glu629Val)

Gene: TJP2 (tight junction protein 2; plus strand). Cytogenetic location: 9q21.11.
Variant type: single nucleotide variant.
Coding change: c.1886A>T on transcript NM_004817.4 (MANE Select); coding-DNA position 1886, A replaced by T.
Protein change: p.Glu629Val; replaces glutamic acid 629 with valine.
Molecular consequence: missense variant.
Genome position (GRCh38, 1-based): chr9:69,236,133, A>T. VCF-style: chr9-69236133-A-T. GRCh37 (hg19) VCF-style: chr9-71851049-A-T.
Other names: c.1817A>T, p.Glu606Val (NM_001170414.2, NM_001369871.1); c.1898A>T, p.Glu633Val (NM_001170415.1, NM_001369874.1, NM_001369875.1); c.1979A>T, p.Glu660Val (NM_001170416.2); c.1811A>T, p.Glu604Val (NM_001369870.1); c.1886A>T, p.Glu629Val (NM_001369872.1, NM_001369873.1, NM_201629.3); short protein forms E604V, E606V, E629V, E633V, E660V.
Identifiers: ClinVar variation 3367504 (VCV003367504.1).